The following is an entry in ClinVar:

ClinVar aggregate classification (germline): Uncertain significance (1 of 4 stars; one submission).

Conditions:
Glycogen storage disease, type II (IOPD). Also called: Pompe Disease; CARDIOMEGALIA GLYCOGENICA DIFFUSA; GLYCOGENOSIS, GENERALIZED, CARDIAC FORM; GSD II; POMPE DISEASE, INFANTILE-ONSET; GLYCOGEN STORAGE DISEASE II, INFANTILE-ONSET. Identifiers: Orphanet 365, MedGen C0017921, MONDO:0009290, OMIM 232300.

Submission:

Genomenon, Inc
Classification: Uncertain significance for Glycogen storage disease, type II. Last evaluated: 2026-07-01. Review status: criteria provided, single submitter. Criteria: Genomenon Sequence Variant Interpretation Standards - Updated. Collection method: curation. Allele origin: germline. Affected: yes.
Comment: GAA c.-35C>A is a variant located in the 5′ untranslated region (5′ UTR). This variant has been observed in at least one proband with a GAA-related disorder in the compound heterozygous and/or homozygous state (PMID:19046416). Functional studies have been reported (PMID:34606154;19046416). It is absent or not present at a significant frequency in gnomAD. In silico models predict that this variant is not damaging. In conclusion, we classify GAA c.-35C>A as a variant of uncertain significance.

Literature cited by the submitters: PubMed 19046416; PubMed 34606154.

NM_000152.5(GAA):c.-35C>A

Gene: GAA (alpha glucosidase; plus strand). Cytogenetic location: 17q25.3.
Variant type: single nucleotide variant.
Coding change: c.-35C>A on transcript NM_000152.5 (MANE Select); 35 bases upstream of the start codon, C replaced by A.
Molecular consequence: 5 prime UTR variant. On other transcripts: non-coding transcript variant (1), intron variant (1).
Genome position (GRCh38, 1-based): chr17:80,101,888, C>A. VCF-style: chr17-80101888-C-A. GRCh37 (hg19) VCF-style: chr17-78075687-C-A.
Other names: c.-35C>A (NM_001079803.3, NM_001406741.1); c.-70C>A (NM_001406742.1); c.-33+263C>A (NM_001079804.3).
Identifiers: ClinVar variation 4876474 (VCV004876474.1).